The following is an entry in ClinVar:

NM_005618.4(DLL1):c.1132G>A (p.Gly378Arg)

Gene: DLL1 (delta like canonical Notch ligand 1; minus strand). Cytogenetic location: 6q27.
Variant type: single nucleotide variant.
Coding change: c.1132G>A on transcript NM_005618.4 (MANE Select); coding-DNA position 1132, G replaced by A.
Protein change: p.Gly378Arg; replaces glycine 378 with arginine.
Molecular consequence: missense variant.
Genome position (GRCh38, 1-based): chr6:170,285,036, C>T on the plus strand (G>A on the coding strand, the complement: DLL1 is on the minus strand). VCF-style: chr6-170285036-C-T. GRCh37 (hg19) VCF-style: chr6-170594124-C-T.
Other names: short protein forms G378R.
Identifiers: ClinVar variation 2983226 (VCV002983226.3), dbSNP rs778363506, ClinGen allele CA4106919.
Genomic context (GRCh38, chr6:170,285,036, plus strand): 5'-AGTAGCCCACGGGGCAGCGGCAGCTGTACCCTCCATCGGGGCTGTCTGAGCACCGACCCC[C>T]GTTAAAGCAAGGGCCGTCCGCACAGGTCATGGCACTCAATTCACAGATTTTGCCGTAGAA-3'
Protein context (NP_005609.3, residues 368-388): MTCADGPCFN[Gly378Arg]GRCSDSPDGG

ClinVar aggregate classification (germline): Uncertain significance (1 of 4 stars; one submission).

Allele frequency attached by ClinVar (database versions not stated): gnomAD 0.00001; gnomAD exomes 0.00001; TOPMed 0.00002; ExAC 0.00004.
gnomAD v4.1: 16 of 1,614,050 alleles (0.00099%); highest among the groups gnomAD compares: East Asian, 0.016%; no homozygotes.

Submission:

Labcorp Genetics (formerly Invitae), Labcorp
Classification: Uncertain significance. Last evaluated: 2023-10-19. Review status: criteria provided, single submitter. Criteria: Invitae Variant Classification Sherloc (09022015). Collection method: clinical testing. Allele origin: germline.
Comment: This sequence change replaces glycine, which is neutral and non-polar, with arginine, which is basic and polar, at codon 378 of the DLL1 protein (p.Gly378Arg). This variant is present in population databases (rs778363506, gnomAD 0.06%), and has an allele count higher than expected for a pathogenic variant. This variant has not been reported in the literature in individuals affected with DLL1-related conditions. An algorithm developed to predict the effect of missense changes on protein structure and function (PolyPhen-2) suggests that this variant is likely to be disruptive. In summary, the available evidence is currently insufficient to determine the role of this variant in disease. Therefore, it has been classified as a Variant of Uncertain Significance.